The following is an entry in ClinVar:

ClinVar aggregate classification (germline): Conflicting classifications of pathogenicity. Review status: criteria provided, conflicting classifications (1 of 4 stars). 8 submissions from 7 submitters: Uncertain significance (2); Benign (1); Likely benign (5). Last evaluated 2025-11-22.

Conditions:
SYNE1-related disorder. Also called: SYNE1-related disease; SYNE1-related condition; SYNE1-related disorders.
Autosomal recessive ataxia, Beauce type. Also called: SYNE1-Related Autosomal Recessive Cerebellar Ataxia; SYNE1 Deficiency; Spinocerebellar ataxia, autosomal recessive 8; ATAXIA, RECESSIVE, OF BEAUCE. Identifiers: Orphanet 88644, MedGen C1853116, MONDO:0012549, OMIM 610743.
Emery-Dreifuss muscular dystrophy 4, autosomal dominant (EDMD4). Also called: EMERY-DREIFUSS MUSCULAR DYSTROPHY 4 WITH VARIABLE FEATURES. Identifiers: Orphanet 261, MedGen C2751807, MONDO:0013071, OMIM 612998.

Allele frequency attached by ClinVar (database versions not stated): gnomAD exomes 0.00031; ExAC 0.00036; 1000 Genomes Project 30x 0.00047; 1000 Genomes Project 0.00060; ESP Exome Variant Server 0.00077; gnomAD 0.00102 and 0.00103; TOPMed 0.00105.
gnomAD v4.1: 374 of 1,614,068 alleles (0.023%); highest among the groups gnomAD compares: African/African-American, 0.35%; 3 homozygotes.

Submissions (11):

Labcorp Genetics (formerly Invitae), Labcorp
Classification: Likely benign for Emery-Dreifuss muscular dystrophy 4, autosomal dominant; Autosomal recessive ataxia, Beauce type. Last evaluated: 2025-11-22. Review status: criteria provided, single submitter. Criteria: Invitae Variant Classification Sherloc (09022015). Collection method: clinical testing. Allele origin: germline.

PreventionGenetics, part of Exact Sciences
Classification: Likely benign for SYNE1-related condition. Last evaluated: 2025-01-05. Review status: criteria provided, single submitter. Criteria: ACMG Guidelines, 2015. Collection method: clinical testing. Allele origin: germline.
Comment: This variant is classified as likely benign based on ACMG/AMP sequence variant interpretation guidelines (Richards et al. 2015 PMID: 25741868, with internal and published modifications).

Blueprint Genetics
Classification: Likely benign. Last evaluated: 2024-09-02. Review status: criteria provided, single submitter. Criteria: ACMG Guidelines, 2015. Collection method: clinical testing. Allele origin: germline.

Athena Diagnostics
Classification: Likely benign. Last evaluated: 2024-02-19. Review status: criteria provided, single submitter. Criteria: Athena Diagnostics Criteria. Collection method: clinical testing. Allele origin: unknown.

GeneDx
Classification: Likely benign. Last evaluated: 2021-01-28. Review status: criteria provided, single submitter. Criteria: GeneDx Variant Classification Process June 2021. Collection method: clinical testing. Allele origin: germline. Affected: yes.

Illumina Laboratory Services, Illumina
Classification: Benign for Emery-Dreifuss muscular dystrophy 4, autosomal dominant. Last evaluated: 2018-01-13. Review status: criteria provided, single submitter. Criteria: ICSL Variant Classification Criteria 13 December 2019. Collection method: clinical testing. Allele origin: germline.
Comment: This variant was observed in the ICSL laboratory as part of a predisposition screen in an ostensibly healthy population. It had not been previously curated by ICSL or reported in the Human Gene Mutation Database (HGMD: prior to June 1st, 2018), and was therefore a candidate for classification through an automated scoring system. Utilizing variant allele frequency, disease prevalence and penetrance estimates, and inheritance mode, an automated score was calculated to assess if this variant is too frequent to cause the disease. Based on the score and internal cut-off values, a variant classified as benign is not then subjected to further curation. The score for this variant resulted in a classification of benign for this disease.

Illumina Laboratory Services, Illumina
Classification: Uncertain significance for Autosomal recessive ataxia, Beauce type. Last evaluated: 2018-01-13. Review status: criteria provided, single submitter. Criteria: ICSL Variant Classification Criteria 13 December 2019. Collection method: clinical testing. Allele origin: germline.

Eurofins Ntd Llc (ga)
Classification: Uncertain significance. Last evaluated: 2017-03-21. Review status: criteria provided, single submitter. Criteria: EGL Classification Definitions 2015. Collection method: clinical testing. Allele origin: germline. Observed: 2 variant alleles, 2 heterozygotes.

Dr. Peter K. Rogan Lab, Western University
No classification provided (evidence only). Condition: Clear cell carcinoma of kidney. Review status: no classification provided. Collection method: in vitro. Allele origin: not applicable. Functional consequence: retained intron. Not counted in ClinVar's aggregate classification.

Dr. Peter K. Rogan Lab, Western University
No classification provided (evidence only). Condition: Familial cancer of breast. Review status: no classification provided. Collection method: in vitro. Allele origin: not applicable. Functional consequence: retained intron. Not counted in ClinVar's aggregate classification.

Dr. Peter K. Rogan Lab, Western University
No classification provided (evidence only). Condition: Acute myeloid leukemia. Review status: no classification provided. Collection method: in vitro. Allele origin: not applicable. Functional consequence: retained intron. Not counted in ClinVar's aggregate classification.

NM_182961.4(SYNE1):c.24956G>A (p.Arg8319Gln)

Gene: SYNE1 (spectrin repeat containing nuclear envelope protein 1; minus strand). Cytogenetic location: 6q25.2.
Variant type: single nucleotide variant.
Coding change: c.24956G>A on transcript NM_182961.4 (MANE Select); coding-DNA position 24956, G replaced by A.
Protein change: p.Arg8319Gln; replaces arginine 8319 with glutamine.
Molecular consequence: missense variant.
Genome position (GRCh38, 1-based): chr6:152,148,065, C>T on the plus strand (G>A on the coding strand, the complement: SYNE1 is on the minus strand). VCF-style: chr6-152148065-C-T. GRCh37 (hg19) VCF-style: chr6-152469200-C-T.
Other names: c.1562G>A, p.Arg521Gln (NM_001347701.2); c.1421G>A, p.Arg474Gln (NM_001347702.2); c.24743G>A, p.Arg8248Gln (NM_033071.5); short protein forms R8319Q, R8248Q, R521Q, R474Q.
Identifiers: ClinVar variation 284137 (VCV000284137.27), dbSNP rs148008634, ClinGen allele CA4053040.